The following is an entry in ClinVar:

NM_001127208.3(TET2):c.148G>A (p.Gly50Arg)

Genes: TET2 (tet methylcytosine dioxygenase 2; plus strand), TET2-AS1 (TET2 antisense RNA 1; minus strand). Cytogenetic location: 4q24.
Variant type: single nucleotide variant.
Coding change: c.148G>A on transcript NM_001127208.3 (MANE Select); coding-DNA position 148, G replaced by A.
Protein change: p.Gly50Arg; replaces glycine 50 with arginine.
Molecular consequence: missense variant.
Genome position (GRCh38, 1-based): chr4:105,234,090, G>A. VCF-style: chr4-105234090-G-A. GRCh37 (hg19) VCF-style: chr4-106155247-G-A.
Other names: c.148G>A, p.Gly50Arg (NM_017628.4); short protein forms G50R.
Identifiers: ClinVar variation 4594220 (VCV004594220.1).

ClinVar aggregate classification (germline): Uncertain significance (1 of 4 stars; one submission).

Submission:

Ambry Genetics
Classification: Uncertain significance. Last evaluated: 2025-11-25. Review status: criteria provided, single submitter. Criteria: Ambry Variant Classification Scheme 2023. Collection method: clinical testing. Allele origin: germline.
Comment: The p.G50R variant (also known as c.148G>A), located in coding exon 1 of the TET2 gene, results from a G to A substitution at nucleotide position 148. The glycine at codon 50 is replaced by arginine, an amino acid with dissimilar properties. This amino acid position is conserved. In addition, the in silico prediction for this alteration is inconclusive. Based on the available evidence, the clinical significance of this variant remains unclear.